The following is an entry in ClinVar:

ClinVar aggregate classification (germline): Uncertain significance. Review status: criteria provided, multiple submitters, no conflicts (2 of 4 stars). 2 submissions from 2 submitters: Uncertain significance (2). Last evaluated 2025-05-13.

Conditions:
Inborn genetic diseases. Identifiers: MedGen C0950123, MeSH D030342.

gnomAD v4.1: 11 of 1,613,730 alleles (0.00068%); highest among the groups gnomAD compares: Non-Finnish European, 0.00076%; no homozygotes.

Submissions (2):

Labcorp Genetics (formerly Invitae), Labcorp
Classification: Uncertain significance. Last evaluated: 2025-05-13. Review status: criteria provided, single submitter. Criteria: Invitae Variant Classification Sherloc (09022015). Collection method: clinical testing. Allele origin: germline.
Comment: This sequence change replaces glycine, which is neutral and non-polar, with arginine, which is basic and polar, at codon 922 of the HERC1 protein (p.Gly922Arg). This variant is present in population databases (rs766581151, gnomAD 0.0009%). This variant has not been reported in the literature in individuals affected with HERC1-related conditions. Invitae Evidence Modeling of protein sequence and biophysical properties (such as structural, functional, and spatial information, amino acid conservation, physicochemical variation, residue mobility, and thermodynamic stability) indicates that this missense variant is not expected to disrupt HERC1 protein function with a negative predictive value of 80%. In summary, the available evidence is currently insufficient to determine the role of this variant in disease. Therefore, it has been classified as a Variant of Uncertain Significance.

Ambry Genetics
Classification: Uncertain significance for Inborn genetic diseases. Last evaluated: 2025-04-12. Review status: criteria provided, single submitter. Criteria: Ambry Variant Classification Scheme 2023. Collection method: clinical testing. Allele origin: germline.

NM_003922.4(HERC1):c.2764G>A (p.Gly922Arg)

Gene: HERC1 (HECT and RLD domain containing E3 ubiquitin protein ligase family member 1; minus strand). Cytogenetic location: 15q22.31.
Variant type: single nucleotide variant.
Coding change: c.2764G>A on transcript NM_003922.4 (MANE Select); coding-DNA position 2764, G replaced by A.
Protein change: p.Gly922Arg; replaces glycine 922 with arginine.
Molecular consequence: missense variant.
Genome position (GRCh38, 1-based): chr15:63,733,028, C>T on the plus strand (G>A on the coding strand, the complement: HERC1 is on the minus strand). VCF-style: chr15-63733028-C-T. GRCh37 (hg19) VCF-style: chr15-64025227-C-T.
Other names: short protein forms G922R.
Identifiers: ClinVar variation 4034688 (VCV004034688.2).